The following is an entry in ClinVar:

NM_020207.7(ERCC6L2):c.2408G>A (p.Cys803Tyr)

Gene: ERCC6L2 (ERCC excision repair 6 like 2; plus strand). Cytogenetic location: 9q22.32.
Variant type: single nucleotide variant.
Coding change: c.2408G>A on transcript NM_020207.7 (MANE Select); coding-DNA position 2408, G replaced by A.
Protein change: p.Cys803Tyr; replaces cysteine 803 with tyrosine.
Molecular consequence: missense variant. On other transcripts: non-coding transcript variant (1).
Genome position (GRCh38, 1-based): chr9:95,972,159, G>A. VCF-style: chr9-95972159-G-A. GRCh37 (hg19) VCF-style: chr9-98734441-G-A.
Other names: c.2408G>A, p.Cys803Tyr (NM_001375291.1, NM_001375292.1, NM_001375293.1 and 1 more transcripts); short protein forms C803Y.
Identifiers: ClinVar variation 2135025 (VCV002135025.4), dbSNP rs2490548382, ClinGen allele CA2579390362.

ClinVar aggregate classification (germline): Uncertain significance (1 of 4 stars; one submission).

Submission:

Labcorp Genetics (formerly Invitae), Labcorp
Classification: Uncertain significance. Last evaluated: 2022-05-07. Review status: criteria provided, single submitter. Criteria: Invitae Variant Classification Sherloc (09022015). Collection method: clinical testing. Allele origin: germline.
Comment: In summary, the available evidence is currently insufficient to determine the role of this variant in disease. Therefore, it has been classified as a Variant of Uncertain Significance. Algorithms developed to predict the effect of missense changes on protein structure and function are either unavailable or do not agree on the potential impact of this missense change (SIFT: "Tolerated"; PolyPhen-2: "Not Available"; Align-GVGD: "Class C0"). This variant has not been reported in the literature in individuals affected with ERCC6L2-related conditions. This variant is not present in population databases (gnomAD no frequency). This sequence change replaces cysteine, which is neutral and slightly polar, with tyrosine, which is neutral and polar, at codon 814 of the ERCC6L2 protein (p.Cys814Tyr).